The following is an entry in ClinVar:

ClinVar aggregate classification (germline): Uncertain significance (1 of 4 stars; one submission).

gnomAD v4.1: 6 of 1,613,534 alleles (0.00037%); highest among the groups gnomAD compares: African/African-American, 0.0027%; no homozygotes.

Submission:

Labcorp Genetics (formerly Invitae), Labcorp
Classification: Uncertain significance. Last evaluated: 2024-06-19. Review status: criteria provided, single submitter. Criteria: Invitae Variant Classification Sherloc (09022015). Collection method: clinical testing. Allele origin: germline.
Comment: This sequence change replaces isoleucine, which is neutral and non-polar, with phenylalanine, which is neutral and non-polar, at codon 431 of the HSPG2 protein (p.Ile431Phe). This variant is present in population databases (rs374330953, gnomAD 0.007%). This variant has not been reported in the literature in individuals affected with HSPG2-related conditions. An algorithm developed to predict the effect of missense changes on protein structure and function (PolyPhen-2) suggests that this variant is likely to be disruptive. In summary, the available evidence is currently insufficient to determine the role of this variant in disease. Therefore, it has been classified as a Variant of Uncertain Significance.

NM_005529.7(HSPG2):c.1291A>T (p.Ile431Phe)

Gene: HSPG2 (heparan sulfate proteoglycan 2; minus strand). Cytogenetic location: 1p36.12.
Variant type: single nucleotide variant.
Coding change: c.1291A>T on transcript NM_005529.7 (MANE Select); coding-DNA position 1291, A replaced by T.
Protein change: p.Ile431Phe; replaces isoleucine 431 with phenylalanine.
Molecular consequence: missense variant.
Genome position (GRCh38, 1-based): chr1:21,885,077, T>A on the plus strand (A>T on the coding strand, the complement: HSPG2 is on the minus strand). VCF-style: chr1-21885077-T-A. GRCh37 (hg19) VCF-style: chr1-22211570-T-A.
Other names: c.1291A>T, p.Ile431Phe (NM_001291860.2); short protein forms I431F.
Identifiers: ClinVar variation 3677337 (VCV003677337.2).